The following is an entry in ClinVar:

ClinVar aggregate classification (germline): Likely benign. Review status: criteria provided, multiple submitters, no conflicts (2 of 4 stars). 3 submissions from 3 submitters: Likely benign (3). Last evaluated 2025-10-02.

Allele frequency attached by ClinVar (database versions not stated): TOPMed 0.00001; gnomAD 0.00003.
gnomAD v4.1: 33 of 1,491,404 alleles (0.0022%); highest among the groups gnomAD compares: South Asian, 0.013%; 2 homozygotes.

Submissions (3):

Labcorp Genetics (formerly Invitae), Labcorp
Classification: Likely benign. Last evaluated: 2025-10-02. Review status: criteria provided, single submitter. Criteria: Invitae Variant Classification Sherloc (09022015). Collection method: clinical testing. Allele origin: germline.

Laboratory of Genetics, Children's Clinical University Hospital Latvia
Classification: Likely benign. Last evaluated: 2025-02-16. Review status: criteria provided, single submitter. Criteria: ACMG Guidelines, 2015. Collection method: clinical testing. Allele origin: germline. Affected: yes.

CeGaT Center for Human Genetics Tuebingen
Classification: Likely benign. Last evaluated: 2024-06-01. Review status: criteria provided, single submitter. Criteria: CeGaT Center For Human Genetics Tuebingen Variant Classification Criteria Version 2. Collection method: clinical testing. Allele origin: germline. Affected: yes. Observed: 1 variant allele.
Comment: CDK13: BP4, BP7

NM_003718.5(CDK13):c.955C>T (p.Leu319=)

Gene: CDK13 (cyclin dependent kinase 13; plus strand). Cytogenetic location: 7p14.1.
Variant type: single nucleotide variant.
Coding change: c.955C>T on transcript NM_003718.5 (MANE Select); coding-DNA position 955, C replaced by T.
Protein change: p.Leu319=; no amino-acid change (leucine 319 retained).
Molecular consequence: synonymous variant.
Genome position (GRCh38, 1-based): chr7:39,951,596, C>T. VCF-style: chr7-39951596-C-T. GRCh37 (hg19) VCF-style: chr7-39991195-C-T.
Other names: c.955C>T, p.Leu319= (NM_031267.4).
Identifiers: ClinVar variation 1970817 (VCV001970817.24), dbSNP rs1181582337, ClinGen allele CA454873815.
Genomic context (GRCh38, chr7:39,951,596, plus strand): 5'-GCCTACCGGGAGGACAAGACCGAGCCTAAGGCCTACAGGCGGCGGCGGTCCCTCAGCCCA[C>T]TGGGAGGCCGGGACGACAGCCCGGTGTCCCACAGGGCCTCTCAGAGCCTGAGGAGCCGCA-3'
Protein context (NP_003709.3, residues 309-329): AYRRRRSLSP[Leu319=]GGRDDSPVSH